The following is an entry in ClinVar:

ClinVar aggregate classification (germline): Pathogenic (1 of 4 stars; one submission).

Conditions:
Ataxia-telangiectasia syndrome (AT). Also called: Cerebello-oculocutaneous telangiectasia; Immunodeficiency with ataxia telangiectasia; Ataxia-telangiectasia, complementation group D; ATAXIA-TELANGIECTASIA, COMPLEMENTATION GROUP A; ATAXIA-TELANGIECTASIA, FRESNO VARIANT; Ataxia-telangiectasia. Identifiers: Orphanet 100, MedGen C0004135, MONDO:0008840, OMIM 208900.

Submission:

Women's Health and Genetics/Laboratory Corporation of America, LabCorp
Classification: Pathogenic for Ataxia-telangiectasia syndrome. Last evaluated: 2023-10-18. Review status: criteria provided, single submitter. Criteria: LabCorp Variant Classification Summary - May 2015. Collection method: clinical testing. Allele origin: germline.
Comment: Variant summary: ATM c.2023delC (p.Gln675SerfsX28) results in a premature termination codon, predicted to cause absence of the protein due to nonsense mediated decay, which is a commonly known mechanism for disease. The variant was absent in 251404 control chromosomes (gnomAD). To our knowledge, no occurrence of c.2023delC in individuals affected with Ataxia-Telangiectasia and no experimental evidence demonstrating its impact on protein function have been reported. No submitters have cited clinical-significance assessments for this variant to ClinVar after 2014. Based on the evidence outlined above, the variant was classified as pathogenic.

NM_000051.4(ATM):c.2023del (p.Gln675fs)

Gene: ATM (ATM serine/threonine kinase; plus strand). Cytogenetic location: 11q22.3.
Variant type: Deletion.
Coding change: c.2023del on transcript NM_000051.4 (MANE Select); coding-DNA position 2023, one base deleted (C; older notation c.2023delC).
Protein change: p.Gln675fs; shifts the reading frame from glutamine 675.
Molecular consequence: frameshift variant.
Genome position (GRCh38, 1-based): chr11:108,253,938, C deleted; the last of 2 consecutive C bases (chr11:108,253,937-108,253,938); deleting either gives the same sequence. VCF-style (leftmost placement, unchanged base first): chr11-108253936-AC-A. GRCh37 (hg19) VCF-style: chr11-108124663-AC-A.
Other names: c.2023del, p.Gln675fs (NM_001351834.2); c.2023delC (NM_000051.4); short protein forms Q675fs.
Identifiers: ClinVar variation 2637793 (VCV002637793.1), dbSNP rs2497314776, ClinGen allele CA2695199013.